The following is an entry in ClinVar:

ClinVar aggregate classification (germline): Uncertain significance (1 of 4 stars; one submission).

Submission:

GeneDx
Classification: Uncertain significance. Last evaluated: 2024-10-03. Review status: criteria provided, single submitter. Criteria: GeneDx Variant Classification Process June 2021. Collection method: clinical testing. Allele origin: germline. Affected: yes.
Comment: Not observed at significant frequency in large population cohorts (gnomAD); In silico analysis indicates that this missense variant does not alter protein structure/function; Has not been previously published as pathogenic or benign to our knowledge

NM_005647.4(TBL1X):c.527C>T (p.Thr176Ile)

Gene: TBL1X (transducin beta like 1 X-linked; plus strand). Cytogenetic location: Xp22.2.
Variant type: single nucleotide variant.
Coding change: c.527C>T on transcript NM_005647.4 (MANE Select); coding-DNA position 527, C replaced by T.
Protein change: p.Thr176Ile; replaces threonine 176 with isoleucine.
Molecular consequence: missense variant.
Genome position (GRCh38, 1-based): chrX:9,688,186, C>T. VCF-style: chrX-9688186-C-T. GRCh37 (hg19) VCF-style: chrX-9656226-C-T.
Other names: c.527C>T, p.Thr176Ile (NM_001139466.1); c.374C>T, p.Thr125Ile (NM_001139467.1, NM_001139468.1); short protein forms T125I, T176I.
Identifiers: ClinVar variation 3776616 (VCV003776616.1).
Genomic context (GRCh38, chrX:9,688,186, plus strand): 5'-AGCAGCAAGCCAGTGCGGCGGCGGCGGCGGCTGCGGCCACGGCAGCAGCGACAGCAGCCA[C>T]CACGACCTCAGCCGGCGTTTCCCACCAAAATCCATCGAAGAACAGAGAGGCCACGGTGAA-3'
Protein context (NP_005638.1, residues 166-186): AAATAAATAA[Thr176Ile]TTSAGVSHQN